The following is an entry in ClinVar:

ClinVar aggregate classification (germline): Conflicting classifications of pathogenicity. Review status: criteria provided, conflicting classifications (1 of 4 stars). 5 submissions from 5 submitters: Uncertain significance (3); Likely benign (1). 1 of the submissions does not count toward it. Last evaluated 2025-12-29.

Conditions:
BRCA2-related cancer predisposition. Identifiers: MedGen CN377758, MONDO:0700269.
Hereditary cancer-predisposing syndrome. Also called: Tumor predisposition; Hereditary neoplastic syndrome; Hereditary Cancer Syndrome; Neoplastic Syndromes, Hereditary. Identifiers: Orphanet 140162, MedGen C0027672, MeSH D009386, MONDO:0015356.
Hereditary breast ovarian cancer syndrome. Also called: BRCA1- and BRCA2-Associated Hereditary Breast and Ovarian Cancer; Hereditary breast and ovarian cancer; Hereditary breast and/or ovarian cancer syndrome; Hereditary breast and ovarian cancer syndrome; Hereditary breast and ovarian cancer syndrome (HBOC); Breast and ovarian cancer. Identifiers: Orphanet 145, MedGen C0677776, MeSH D061325, MONDO:0003582. Disease mechanism: loss of function.

Allele frequency attached by ClinVar (database versions not stated): gnomAD 0.00001 and 0.00002; gnomAD exomes 0.00002; ExAC 0.00003; TOPMed 0.00003; 1000 Genomes Project 30x 0.00016; 1000 Genomes Project 0.00020.
gnomAD v4.1: 34 of 1,614,052 alleles (0.0021%); highest among the groups gnomAD compares: Middle Eastern, 0.05%; no homozygotes.

Submissions (5):

Center for Genomic Medicine, Rigshospitalet, Copenhagen University Hospital
Classification: Likely benign. Last evaluated: 2025-12-29. Review status: criteria provided, single submitter. Criteria: ACMG Guidelines, 2015. Collection method: clinical testing. Allele origin: germline.
Comment: Classification criteria: BP1_strong

Ambry Genetics
Classification: Uncertain significance for Hereditary cancer-predisposing syndrome. Last evaluated: 2024-12-04. Review status: criteria provided, single submitter. Criteria: Ambry Variant Classification Scheme 2023. Collection method: clinical testing. Allele origin: germline.
Comment: The p.A3205V variant (also known as c.9614C>T), located in coding exon 25 of the BRCA2 gene, results from a C to T substitution at nucleotide position 9614. The alanine at codon 3205 is replaced by valine, an amino acid with similar properties. This amino acid position is not well conserved in available vertebrate species. In addition, this alteration is predicted to be tolerated by in silico analysis. Based on the available evidence, the clinical significance of this variant remains unclear.

All of Us Research Program, National Institutes of Health
Classification: Uncertain significance for BRCA2-related cancer predisposition. Last evaluated: 2024-07-20. Review status: criteria provided, single submitter. Criteria: ACMG Guidelines, 2015. Collection method: clinical testing. Allele origin: germline. Inheritance: Autosomal dominant inheritance. Observed: 10 variant alleles, 10 heterozygotes.
Comment: This missense variant replaces alanine with valine at codon 3205 of the BRCA2 protein. Computational prediction suggests that this variant may not impact protein structure and function (internally defined REVEL score threshold <= 0.5, PMID: 27666373). To our knowledge, functional studies have not been reported for this variant. This variant has not been reported in individuals affected with hereditary cancer in the literature. This variant has been identified in 6/251370 chromosomes in the general population by the Genome Aggregation Database (gnomAD). The available evidence is insufficient to determine the role of this variant in disease conclusively. Therefore, this variant is classified as a Variant of Uncertain Significance.

This study involves interpretation of variants in research participants for the purpose of population health screening. Participant phenotype was not available at the time of variant classification. Additional details can be found in publication PMID: 35346344, PMCID: PMC8962531

Labcorp Genetics (formerly Invitae), Labcorp
Classification: Uncertain significance for Hereditary breast ovarian cancer syndrome. Last evaluated: 2022-11-21. Review status: criteria provided, single submitter. Criteria: Invitae Variant Classification Sherloc (09022015). Collection method: clinical testing. Allele origin: germline.
Comment: This sequence change replaces alanine, which is neutral and non-polar, with valine, which is neutral and non-polar, at codon 3205 of the BRCA2 protein (p.Ala3205Val). In summary, the available evidence is currently insufficient to determine the role of this variant in disease. Therefore, it has been classified as a Variant of Uncertain Significance. Advanced modeling of protein sequence and biophysical properties (such as structural, functional, and spatial information, amino acid conservation, physicochemical variation, residue mobility, and thermodynamic stability) performed at Invitae indicates that this missense variant is not expected to disrupt BRCA2 protein function. ClinVar contains an entry for this variant (Variation ID: 962910). This variant has not been reported in the literature in individuals affected with BRCA2-related conditions. This variant is present in population databases (rs546682485, gnomAD 0.006%).

Department of Pathology and Laboratory Medicine, Sinai Health System
Classification: Uncertain significance. Review status: no assertion criteria provided. Collection method: clinical testing. Allele origin: unknown. Affected: yes. Study: The Canadian Open Genetics Repository (COGR). Not counted in ClinVar's aggregate classification.

NM_000059.4(BRCA2):c.9614C>T (p.Ala3205Val)

Gene: BRCA2 (BRCA2 DNA repair associated; plus strand). Cytogenetic location: 13q13.1.
Variant type: single nucleotide variant.
Coding change: c.9614C>T on transcript NM_000059.4 (MANE Select); coding-DNA position 9614, C replaced by T.
Protein change: p.Ala3205Val; replaces alanine 3205 with valine.
Molecular consequence: missense variant.
Genome position (GRCh38, 1-based): chr13:32,397,010, C>T. VCF-style: chr13-32397010-C-T. GRCh37 (hg19) VCF-style: chr13-32971147-C-T.
Other names: short protein forms A3205V.
Identifiers: ClinVar variation 962910 (VCV000962910.16), dbSNP rs546682485, ClinGen allele CA6941417.